The following is an entry in ClinVar:

NM_014629.4(ARHGEF10):c.541A>G (p.Thr181Ala)

Gene: ARHGEF10 (Rho guanine nucleotide exchange factor 10; plus strand). Cytogenetic location: 8p23.3.
Variant type: single nucleotide variant.
Coding change: c.541A>G on transcript NM_014629.4 (MANE Select); coding-DNA position 541, A replaced by G.
Protein change: p.Thr181Ala; replaces threonine 181 with alanine.
Molecular consequence: missense variant.
Genome position (GRCh38, 1-based): chr8:1,864,432, A>G. VCF-style: chr8-1864432-A-G. GRCh37 (hg19) VCF-style: chr8-1812598-A-G.
Other names: c.544A>G, p.Thr182Ala (NM_001308152.2, NM_001308153.3); short protein forms T182A, T206A, T181A.
Identifiers: ClinVar variation 930456 (VCV000930456.3), dbSNP rs746857277, ClinGen allele CA4599831.

ClinVar aggregate classification (germline): Uncertain significance (1 of 4 stars; one submission).

Conditions:
Autosomal dominant slowed nerve conduction velocity. Identifiers: Orphanet 140481, MedGen C1842357, MONDO:0011998, OMIM 608236.

Submission:

Centre for Mendelian Genomics, University Medical Centre Ljubljana
Classification: Uncertain significance for Autosomal dominant slowed nerve conduction velocity. Last evaluated: 2019-06-26. Review status: criteria provided, single submitter. Criteria: ACMG Guidelines, 2015. Collection method: clinical testing. Allele origin: unknown. Affected: yes.
Comment: This variant was classified as: Uncertain significance. The available evidence on this variant's pathogenicity is insufficient or conflicting. The following ACMG criteria were applied in classifying this variant: PM2,BP4.